The following is an entry in ClinVar:

ClinVar aggregate classification (germline): Uncertain significance (1 of 4 stars; one submission).

Conditions:
Myasthenic syndrome, congenital, 22 (CMS22). Also called: PREPL DEFICIENCY. Identifiers: MedGen C4479088, MONDO:0044299, OMIM 616224.

Allele frequency attached by ClinVar (database versions not stated): gnomAD exomes 0.00002 and 0.00003; TOPMed 0.00002; ExAC 0.00004; ESP Exome Variant Server 0.00008.
gnomAD v4.1: 30 of 1,612,458 alleles (0.0019%); highest among the groups gnomAD compares: Admixed American, 0.01%; no homozygotes.

Submission:

Labcorp Genetics (formerly Invitae), Labcorp
Classification: Uncertain significance for Myasthenic syndrome, congenital, 22. Last evaluated: 2024-03-14. Review status: criteria provided, single submitter. Criteria: Invitae Variant Classification Sherloc (09022015). Collection method: clinical testing. Allele origin: germline.
Comment: This sequence change replaces arginine, which is basic and polar, with histidine, which is basic and polar, at codon 226 of the PREPL protein (p.Arg226His). This variant is present in population databases (rs371309095, gnomAD 0.02%). This variant has not been reported in the literature in individuals affected with PREPL-related conditions. ClinVar contains an entry for this variant (Variation ID: 1521490). Advanced modeling of protein sequence and biophysical properties (such as structural, functional, and spatial information, amino acid conservation, physicochemical variation, residue mobility, and thermodynamic stability) performed at Invitae indicates that this missense variant is not expected to disrupt PREPL protein function with a negative predictive value of 80%. In summary, the available evidence is currently insufficient to determine the role of this variant in disease. Therefore, it has been classified as a Variant of Uncertain Significance.

NM_001171613.2(PREPL):c.410G>A (p.Arg137His)

Gene: PREPL (prolyl endopeptidase like; minus strand). Cytogenetic location: 2p21.
Variant type: single nucleotide variant.
Coding change: c.410G>A on transcript NM_001171613.2 (MANE Select); coding-DNA position 410, G replaced by A.
Protein change: p.Arg137His; replaces arginine 137 with histidine.
Molecular consequence: missense variant.
Genome position (GRCh38, 1-based): chr2:44,342,492, C>T on the plus strand (G>A on the coding strand, the complement: PREPL is on the minus strand). VCF-style: chr2-44342492-C-T. GRCh37 (hg19) VCF-style: chr2-44569631-C-T.
Other names: c.677G>A, p.Arg226His (NM_001042385.2, NM_001042386.2, NM_001171603.1 and 4 more transcripts); c.410G>A, p.Arg137His (NM_001171617.1, NM_001374277.1); short protein forms R137H, R226H.
Identifiers: ClinVar variation 1521490 (VCV001521490.7), dbSNP rs371309095, ClinGen allele CA1641484.